The following is an entry in ClinVar:

NM_001312909.2(FAM111A):c.1290G>T (p.Trp430Cys)

Gene: FAM111A (FAM111 trypsin like peptidase A; plus strand). Cytogenetic location: 11q12.1.
Variant type: single nucleotide variant.
Coding change: c.1290G>T on transcript NM_001312909.2 (MANE Select); coding-DNA position 1290, G replaced by T.
Protein change: p.Trp430Cys; replaces tryptophan 430 with cysteine.
Molecular consequence: missense variant.
Genome position (GRCh38, 1-based): chr11:59,152,958, G>T. VCF-style: chr11-59152958-G-T. GRCh37 (hg19) VCF-style: chr11-58920431-G-T.
Other names: c.1290G>T, p.Trp430Cys (NM_001374865.1, NM_001374866.1, NM_001374867.1 and 29 more transcripts); short protein forms W430C.
Identifiers: ClinVar variation 3622037 (VCV003622037.2).

ClinVar aggregate classification (germline): Uncertain significance (1 of 4 stars; one submission).

gnomAD v4.1: 2 of 1,614,086 alleles (0.00012%); highest among the groups gnomAD compares: Non-Finnish European, 0.00017%; no homozygotes.

Submission:

Labcorp Genetics (formerly Invitae), Labcorp
Classification: Uncertain significance. Last evaluated: 2025-03-07. Review status: criteria provided, single submitter. Criteria: Invitae Variant Classification Sherloc (09022015). Collection method: clinical testing. Allele origin: germline.
Comment: This sequence change replaces tryptophan, which is neutral and slightly polar, with cysteine, which is neutral and slightly polar, at codon 430 of the FAM111A protein (p.Trp430Cys). This variant is not present in population databases (gnomAD no frequency). This variant has not been reported in the literature in individuals affected with FAM111A-related conditions. Invitae Evidence Modeling of protein sequence and biophysical properties (such as structural, functional, and spatial information, amino acid conservation, physicochemical variation, residue mobility, and thermodynamic stability) indicates that this missense variant is not expected to disrupt FAM111A protein function with a negative predictive value of 80%. In summary, the available evidence is currently insufficient to determine the role of this variant in disease. Therefore, it has been classified as a Variant of Uncertain Significance.